The following is an entry in ClinVar:

ClinVar aggregate classification (germline): Likely pathogenic (1 of 4 stars; one submission).

Submission:

Labcorp Genetics (formerly Invitae), Labcorp
Classification: Likely pathogenic. Last evaluated: 2017-12-09. Review status: criteria provided, single submitter. Criteria: Invitae Variant Classification Sherloc (09022015). Collection method: clinical testing. Allele origin: germline.
Comment: This variant is not present in population databases (ExAC no frequency). This sequence change replaces phenylalanine with cysteine at codon 312 of the FH protein (p.Phe312Cys). The phenylalanine residue is highly conserved and there is a large physicochemical difference between phenylalanine and cysteine. This variant has been observed on the opposite chromosome (in trans) from a likely pathogenic variant in an individual affected with fumarate hydratase deficiency (PMID: 9635293). This finding is consistent with autosomal recessive inheritance, and suggests that this variant contributes to disease. In summary, the currently available evidence indicates that the variant is pathogenic, but additional data are needed to prove that conclusively. Therefore, this variant has been classified as Likely Pathogenic. A different missense substitution at this codon (p.Phe312Leu) has been determined to be likely pathogenic (Invitae). This suggests that the phenylalanine residue is critical for FH protein function and that other missense substitutions at this position may also be likely pathogenic. Algorithms developed to predict the effect of missense changes on protein structure and function (SIFT, PolyPhen-2, Align-GVGD) all suggest that this variant is likely to be disruptive, but these predictions have not been confirmed by published functional studies and their clinical significance is uncertain.

Literature cited by the submitters: PubMed 9635293.

NM_000143.4(FH):c.935T>G (p.Phe312Cys)

Gene: FH (fumarate hydratase; minus strand). Cytogenetic location: 1q43.
Variant type: single nucleotide variant.
Coding change: c.935T>G on transcript NM_000143.4 (MANE Select); coding-DNA position 935, T replaced by G.
Protein change: p.Phe312Cys; replaces phenylalanine 312 with cysteine.
Molecular consequence: missense variant.
Genome position (GRCh38, 1-based): chr1:241,504,215, A>C on the plus strand (T>G on the coding strand, the complement: FH is on the minus strand). VCF-style: chr1-241504215-A-C. GRCh37 (hg19) VCF-style: chr1-241667515-A-C.
Other names: short protein forms F312C.
Identifiers: ClinVar variation 529812 (VCV000529812.11), dbSNP rs1553341046, ClinGen allele CA345438376.